The following is an entry in ClinVar:

ClinVar aggregate classification (germline): Likely benign (0 of 4 stars; one submission).

Conditions:
LEPR-related disorder. Also called: LEPR-related condition; LEPR-related disorders.

gnomAD v4.1: 4 of 1,613,946 alleles (0.00025%); highest among the groups gnomAD compares: Non-Finnish European, 0.00034%; no homozygotes.

Submission:

PreventionGenetics, part of Exact Sciences
Classification: Likely benign for LEPR-related condition. Last evaluated: 2022-09-13. Review status: no assertion criteria provided. Collection method: clinical testing. Allele origin: germline.
Comment: This variant is classified as likely benign based on ACMG/AMP sequence variant interpretation guidelines (Richards et al. 2015 PMID: 25741868, with internal and published modifications).

NM_002303.6(LEPR):c.12A>G (p.Gln4=)

Gene: LEPR (leptin receptor; plus strand). Cytogenetic location: 1p31.3.
Variant type: single nucleotide variant.
Coding change: c.12A>G on transcript NM_002303.6 (MANE Select); coding-DNA position 12, A replaced by G.
Protein change: p.Gln4=; no amino-acid change (glutamine 4 retained).
Molecular consequence: synonymous variant.
Genome position (GRCh38, 1-based): chr1:65,565,577, A>G. VCF-style: chr1-65565577-A-G. GRCh37 (hg19) VCF-style: chr1-66031260-A-G.
Other names: c.12A>G, p.Gln4= (NM_001003679.3, NM_001003680.3, NM_001198687.2 and 2 more transcripts).
Identifiers: ClinVar variation 3352977 (VCV003352977.1).
Genomic context (GRCh38, chr1:65,565,577, plus strand): 5'-TGTTCTGATTTTAGATTTACCTTTTCCAGGTGTACTTCTCTGAAGTAAGATGATTTGTCA[A>G]AAATTCTGTGTGGTTTTGTTACATTGGGGTAAGTTATTTGCTCATTTGCTGTTTTAATGC-3'
Protein context (NP_002294.2, residues 1-14): MIC[Gln4=]KFCVVLLHWE